The following is an entry in ClinVar:

ClinVar aggregate classification (germline): Likely benign. Review status: criteria provided, multiple submitters, no conflicts (2 of 4 stars). 3 submissions from 3 submitters: Likely benign (2). 1 of the submissions does not count toward it. Last evaluated 2024-09-12.

Conditions:
Malignant hyperthermia, susceptibility to, 1 (MHS1). Also called: Anesthesia related hyperthermia; Malignant hyperpyrexia; Fulminating hyperpyrexia; Pharmacogenic myopathy; RYR1-Related Malignant Hyperthermia Susceptibility; Malignant hyperthermia suceptibility 1. Identifiers: Orphanet 423, MedGen C2930980, MONDO:0007783, OMIM 145600.
RYR1-related disorder. Also called: RYR1-related disorders; RYR1-related condition. Identifiers: MedGen CN239331.

Allele frequency attached by ClinVar (database versions not stated): gnomAD exomes below 0.00001; TOPMed 0.00001.
gnomAD v4.1: 5 of 1,614,192 alleles (0.00031%); highest among the groups gnomAD compares: Admixed American, 0.0017%; no homozygotes.

Submissions (3):

Labcorp Genetics (formerly Invitae), Labcorp
Classification: Likely benign for RYR1-related disorder. Last evaluated: 2024-09-12. Review status: criteria provided, single submitter. Criteria: Invitae Variant Classification Sherloc (09022015). Collection method: clinical testing. Allele origin: germline.

All of Us Research Program, National Institutes of Health
Classification: Likely benign for Malignant hyperthermia, susceptibility to, 1. Last evaluated: 2024-02-05. Review status: criteria provided, single submitter. Criteria: ACMG Guidelines, 2015. Collection method: clinical testing. Allele origin: germline. Inheritance: Autosomal dominant inheritance. Observed: 2 variant alleles, 2 heterozygotes.
Comment: This variant is located in the RYR1 protein. To our knowledge, functional studies have not been reported for this variant. This variant has not been reported in individuals affected with RYR1-related disorders in the literature. This variant has been identified in 1/31400 chromosomes in the general population by the Genome Aggregation Database (gnomAD). The available evidence is insufficient to determine the role of this variant in disease conclusively. Therefore, this variant is classified as a Variant of Uncertain Significance.

This study involves interpretation of variants in research participants for the purpose of population health screening. Participant phenotype was not available at the time of variant classification. Additional details can be found in publication PMID: 35346344, PMCID: PMC8962531

PreventionGenetics, part of Exact Sciences
Classification: Likely benign for RYR1-related condition. Last evaluated: 2021-10-25. Review status: no assertion criteria provided. Collection method: clinical testing. Allele origin: germline. Not counted in ClinVar's aggregate classification.
Comment: This variant is classified as likely benign based on ACMG/AMP sequence variant interpretation guidelines (Richards et al. 2015 PMID: 25741868, with internal and published modifications).

NM_000540.3(RYR1):c.3711C>T (p.Phe1237=)

Gene: RYR1 (ryanodine receptor 1; plus strand). Cytogenetic location: 19q13.2.
Variant type: single nucleotide variant.
Coding change: c.3711C>T on transcript NM_000540.3 (MANE Select); coding-DNA position 3711, C replaced by T.
Protein change: p.Phe1237=; no amino-acid change (phenylalanine 1237 retained).
Molecular consequence: synonymous variant.
Genome position (GRCh38, 1-based): chr19:38,469,459, C>T. VCF-style: chr19-38469459-C-T. GRCh37 (hg19) VCF-style: chr19-38960099-C-T.
Other names: c.3711C>T, p.Phe1237= (NM_001042723.2).
Identifiers: ClinVar variation 2888402 (VCV002888402.6), dbSNP rs1568465743, ClinGen allele CA507235125.